The following is an entry in ClinVar:

NM_001079668.3(NKX2-1):c.817G>T (p.Gly273Trp)

Genes: NKX2-1 (NK2 homeobox 1; minus strand), SFTA3 (surfactant associated 3; minus strand). Cytogenetic location: 14q13.3.
Variant type: single nucleotide variant.
Coding change: c.817G>T on transcript NM_001079668.3 (MANE Select); coding-DNA position 817, G replaced by T.
Protein change: p.Gly273Trp; replaces glycine 273 with tryptophan.
Molecular consequence: missense variant.
Genome position (GRCh38, 1-based): chr14:36,517,667, C>A on the plus strand (G>T on the coding strand, the complement: NKX2-1 is on the minus strand). VCF-style: chr14-36517667-C-A. GRCh37 (hg19) VCF-style: chr14-36986872-C-A.
Other names: c.727G>T, p.Gly243Trp (NM_003317.4); short protein forms G243W, G273W.
Identifiers: ClinVar variation 2572697 (VCV002572697.1), dbSNP rs1227488905, ClinGen allele CA389458979.
Genomic context (GRCh38, chr14:36,517,667, plus strand): 5'-GGACCGGCACCGCCACGCGTCGCGGCGACTGCTGCTGAGCCTGTTGCTGCTGCGGGCACC[C>A]GGTGCCCCCGCCGCCCCCGCCGCCGCCGCTGTCCTGCTGCAGTTGCTGCTGCGCCGCCTT-3'
Protein context (NP_001073136.1, residues 263-283): SGGGGGGGGT[Gly273Trp]CPQQQQAQQQ

ClinVar aggregate classification (germline): Uncertain significance (1 of 4 stars; one submission).

Submission:

GeneDx
Classification: Uncertain significance. Last evaluated: 2023-01-12. Review status: criteria provided, single submitter. Criteria: GeneDx Variant Classification Process June 2021. Collection method: clinical testing. Allele origin: germline. Affected: yes.
Comment: Not observed at significant frequency in large population cohorts (gnomAD); In silico analysis supports that this missense variant does not alter protein structure/function; Has not been previously published as pathogenic or benign to our knowledge